The following is an entry in ClinVar:

NM_031220.4(PITPNM3):c.1019G>A (p.Arg340Gln)

Gene: PITPNM3 (PITPNM family member 3; minus strand). Cytogenetic location: 17p13.2.
Variant type: single nucleotide variant.
Coding change: c.1019G>A on transcript NM_031220.4 (MANE Select); coding-DNA position 1019, G replaced by A.
Protein change: p.Arg340Gln; replaces arginine 340 with glutamine.
Molecular consequence: missense variant.
Genome position (GRCh38, 1-based): chr17:6,477,095, C>T on the plus strand (G>A on the coding strand, the complement: PITPNM3 is on the minus strand). VCF-style: chr17-6477095-C-T. GRCh37 (hg19) VCF-style: chr17-6380415-C-T.
Other names: c.911G>A, p.Arg304Gln (NM_001165966.2); short protein forms R340Q, R304Q.
Identifiers: ClinVar variation 324755 (VCV000324755.7), dbSNP rs144563288, ClinGen allele CA8329645.

ClinVar aggregate classification (germline): Conflicting classifications of pathogenicity. Review status: criteria provided, conflicting classifications (1 of 4 stars). 2 submissions from 2 submitters: Uncertain significance (1); Likely benign (1). Last evaluated 2024-04-20.

Conditions:
Cone-rod dystrophy 5 (CORD5). Identifiers: Orphanet 1872, MedGen C1832976, MONDO:0010969, OMIM 600977.

Allele frequency attached by ClinVar (database versions not stated): gnomAD exomes 0.00001 and 0.00004; gnomAD 0.00003; ExAC 0.00004; TOPMed 0.00005; ESP Exome Variant Server 0.00008.
gnomAD v4.1: 15 of 1,613,992 alleles (0.00093%); highest among the groups gnomAD compares: African/African-American, 0.0067%; no homozygotes.

Submissions (2):

Labcorp Genetics (formerly Invitae), Labcorp
Classification: Uncertain significance. Last evaluated: 2024-04-20. Review status: criteria provided, single submitter. Criteria: Invitae Variant Classification Sherloc (09022015). Collection method: clinical testing. Allele origin: germline.
Comment: This sequence change replaces arginine, which is basic and polar, with glutamine, which is neutral and polar, at codon 340 of the PITPNM3 protein (p.Arg340Gln). This variant is present in population databases (rs144563288, gnomAD 0.02%). This variant has not been reported in the literature in individuals affected with PITPNM3-related conditions. ClinVar contains an entry for this variant (Variation ID: 324755). Advanced modeling of protein sequence and biophysical properties (such as structural, functional, and spatial information, amino acid conservation, physicochemical variation, residue mobility, and thermodynamic stability) performed at Invitae indicates that this missense variant is not expected to disrupt PITPNM3 protein function with a negative predictive value of 80%. In summary, the available evidence is currently insufficient to determine the role of this variant in disease. Therefore, it has been classified as a Variant of Uncertain Significance.

Illumina Laboratory Services, Illumina
Classification: Likely benign for Cone-rod dystrophy 5. Last evaluated: 2018-01-12. Review status: criteria provided, single submitter. Criteria: ICSL Variant Classification Criteria 13 December 2019. Collection method: clinical testing. Allele origin: germline.
Comment: This variant was observed in the ICSL laboratory as part of a predisposition screen in an ostensibly healthy population. It had not been previously curated by ICSL or reported in the Human Gene Mutation Database (HGMD: prior to June 1st, 2018), and was therefore a candidate for classification through an automated scoring system. Utilizing variant allele frequency, disease prevalence and penetrance estimates, and inheritance mode, an automated score was calculated to assess if this variant is too frequent to cause the disease. Based on the score and internal cut-off values, a variant classified as likely benign is not then subjected to further curation. The score for this variant resulted in a classification of likely benign for this disease.